The following is an entry in ClinVar:

ClinVar aggregate classification (germline): Benign. Review status: criteria provided, multiple submitters, no conflicts (2 of 4 stars). 3 submissions from 2 submitters: Benign (3). Last evaluated 2017-04-27.

Conditions:
Autosomal recessive nonsyndromic hearing loss 31. Also called: WHIRLER, MOUSE, HOMOLOG OF. Identifiers: Orphanet 90636, MedGen C1846839, MONDO:0011767, OMIM 607084.
Usher syndrome type 2D. Also called: USHER SYNDROME, TYPE IID. Identifiers: Orphanet 231178, Orphanet 886, MedGen C1568249, MONDO:0012662, OMIM 611383.

Allele frequency attached by ClinVar (database versions not stated): gnomAD exomes 0.00301; gnomAD 0.02029 and 0.02166; TOPMed 0.02220; 1000 Genomes Project 0.02556; 1000 Genomes Project 30x 0.02686.
gnomAD v4.1: 3,312 of 236,044 alleles (1.4%); highest among the groups gnomAD compares: African/African-American, 6.9%; 102 homozygotes.

Submissions (3):

Illumina Laboratory Services, Illumina
Classification: Benign for Usher syndrome type 2D. Last evaluated: 2017-04-27. Review status: criteria provided, single submitter. Criteria: ICSL Variant Classification Criteria 13 December 2019. Collection method: clinical testing. Allele origin: germline.
Comment: This variant was observed as part of a predisposition screen in an ostensibly healthy population. A literature search was performed for the gene, cDNA change, and amino acid change (where applicable). No publications were found based on this search. Allele frequency data from public databases was too high to be consistent with this variant causing disease. Therefore, this variant is classified as benign.

Illumina Laboratory Services, Illumina
Classification: Benign for Autosomal recessive nonsyndromic hearing loss 31. Last evaluated: 2017-04-27. Review status: criteria provided, single submitter. Criteria: ICSL Variant Classification Criteria 13 December 2019. Collection method: clinical testing. Allele origin: germline.
Comment: the same text as in the submission from Illumina Laboratory Services, Illumina above.

Breakthrough Genomics
Classification: Benign. Review status: criteria provided, single submitter. Criteria: ACMG Guidelines, 2015. Collection method: not provided. Allele origin: germline. Inheritance: Autosomal recessive inheritance. Affected: yes.

NM_015404.4(WHRN):c.*438T>G

Gene: WHRN (whirlin; minus strand). Cytogenetic location: 9q32.
Variant type: single nucleotide variant.
Coding change: c.*438T>G on transcript NM_015404.4 (MANE Select); 438 bases downstream of the stop codon, T replaced by G.
Molecular consequence: 3 prime UTR variant.
Genome position (GRCh38, 1-based): chr9:114,402,316, A>C on the plus strand (T>G on the coding strand, the complement: WHRN is on the minus strand). VCF-style: chr9-114402316-A-C. GRCh37 (hg19) VCF-style: chr9-117164596-A-C.
Other names: c.*438T>G (NM_001083885.3, NM_001173425.2, NM_001346890.1).
Identifiers: ClinVar variation 912415 (VCV000912415.5), dbSNP rs114641960, ClinGen allele CA13074127.